The following is an entry in ClinVar:

NM_001353921.2(ARHGEF9):c.1290G>A (p.Glu430=)

Gene: ARHGEF9 (Cdc42 guanine nucleotide exchange factor 9; minus strand). Cytogenetic location: Xq11.1.
Variant type: single nucleotide variant.
Coding change: c.1290G>A on transcript NM_001353921.2 (MANE Select); coding-DNA position 1290, G replaced by A.
Protein change: p.Glu430=; no amino-acid change (glutamic acid 430 retained).
Molecular consequence: synonymous variant. On other transcripts: intron variant (2).
Genome position (GRCh38, 1-based): chrX:63,655,525, C>T on the plus strand (G>A on the coding strand, the complement: ARHGEF9 is on the minus strand). VCF-style: chrX-63655525-C-T. GRCh37 (hg19) VCF-style: chrX-62875405-C-T.
Other names: c.1110G>A, p.Glu370= (NM_001173479.2); c.963G>A, p.Glu321= (NM_001173480.2, NM_001369042.1); c.1206G>A, p.Glu402= (NM_001330495.2, NM_001369033.1, NM_001369034.1 and 4 more transcripts); c.1158G>A, p.Glu386= (NM_001353922.2); c.1308G>A, p.Glu436= (NM_001353923.1); c.1089G>A, p.Glu363= (NM_001353924.2, NM_001353926.2, NM_001369039.1 and 1 more transcripts); c.1074G>A, p.Glu358= (NM_001353927.2, NM_001369041.1); c.1137G>A, p.Glu379= (NM_001353928.2); and 3 more.
Identifiers: ClinVar variation 4872991 (VCV004872991.2).

ClinVar aggregate classification (germline): Uncertain significance (1 of 4 stars; one submission).

Submission:

CeGaT Center for Human Genetics Tuebingen
Classification: Uncertain significance. Last evaluated: 2026-06-01. Review status: criteria provided, single submitter. Criteria: CeGaT Center For Human Genetics Tuebingen Variant Classification Criteria Version 2. Collection method: clinical testing. Allele origin: germline. Affected: yes. Observed: 1 variant allele.
Comment: ARHGEF9: PM2:Supporting, BP4